The following is an entry in ClinVar:

ClinVar aggregate classification (germline): Uncertain significance. Review status: criteria provided, multiple submitters, no conflicts (2 of 4 stars). 3 submissions from 3 submitters: Uncertain significance (3). Last evaluated 2025-04-04.

Conditions:
Hereditary cancer-predisposing syndrome. Also called: Neoplastic Syndromes, Hereditary; Hereditary Cancer Syndrome; Tumor predisposition; Hereditary neoplastic syndrome. Identifiers: Orphanet 140162, MedGen C0027672, MeSH D009386, MONDO:0015356.
EGFR-related lung cancer (EGFR). Identifiers: MedGen CN130014.

Submissions (3):

Dasa
Classification: Uncertain significance. Last evaluated: 2025-04-04. Review status: criteria provided, single submitter. Criteria: DASA Assertion Criteria. Collection method: clinical testing. Allele origin: germline.
Comment: NM_005228.5(EGFR):c.2061G>A (p.Glu687=) is a synonymous variant predicted not to alter the encoded amino acid sequence. This variant is absent from population databases. Computational prediction algorithms are consistent with a benign effect. The currently available literature and clinical evidence are not sufficient to establish a definitive association between this variant and the reported condition. Therefore, this variant is classified as a variant of uncertain significance.

Ambry Genetics
Classification: Uncertain significance for Hereditary cancer-predisposing syndrome. Last evaluated: 2025-03-14. Review status: criteria provided, single submitter. Criteria: Ambry Variant Classification Scheme 2023. Collection method: clinical testing. Allele origin: germline.
Comment: The c.2061G>A variant (also known as p.E687E), located in coding exon 17 of the EGFR gene, results from a G to A substitution at nucleotide position 2061. This nucleotide substitution does not change the glutamic acid at codon 687. However, this change occurs in the last base pair of coding exon 17, which makes it likely to have some effect on normal mRNA splicing. This nucleotide position is highly conserved in available vertebrate species. In silico splice site analysis predicts that this alteration will not have any significant effect on splicing. Based on the available evidence, the clinical significance of this variant remains unclear.

Labcorp Genetics (formerly Invitae), Labcorp
Classification: Uncertain significance for EGFR-related lung cancer. Last evaluated: 2024-08-13. Review status: criteria provided, single submitter. Criteria: Invitae Variant Classification Sherloc (09022015). Collection method: clinical testing. Allele origin: germline.
Comment: This sequence change affects codon 687 of the EGFR mRNA. It is a 'silent' change, meaning that it does not change the encoded amino acid sequence of the EGFR protein. This variant also falls at the last nucleotide of exon 17, which is part of the consensus splice site for this exon. This variant is not present in population databases (gnomAD no frequency). This variant has not been reported in the literature in individuals affected with EGFR-related conditions. ClinVar contains an entry for this variant (Variation ID: 1368570). Variants that disrupt the consensus splice site are a relatively common cause of aberrant splicing (PMID: 17576681, 9536098). Algorithms developed to predict the effect of sequence changes on RNA splicing suggest that this variant is not likely to affect RNA splicing. In summary, the available evidence is currently insufficient to determine the role of this variant in disease. Therefore, it has been classified as a Variant of Uncertain Significance.

Literature cited by the submitters: PubMed 17576681 (cited by Labcorp Genetics (formerly Invitae), Labcorp); PubMed 9536098 (cited by Labcorp Genetics (formerly Invitae), Labcorp).

NM_005228.5(EGFR):c.2061G>A (p.Glu687=)

Gene: EGFR (epidermal growth factor receptor; plus strand). Cytogenetic location: 7p11.2.
Variant type: single nucleotide variant.
Coding change: c.2061G>A on transcript NM_005228.5 (MANE Select); coding-DNA position 2061, G replaced by A.
Protein change: p.Glu687=; no amino-acid change (glutamic acid 687 retained).
Molecular consequence: synonymous variant.
Genome position (GRCh38, 1-based): chr7:55,173,124, G>A. VCF-style: chr7-55173124-G-A. GRCh37 (hg19) VCF-style: chr7-55240817-G-A.
Other names: c.1902G>A, p.Glu634= (NM_001346900.2); c.1260G>A, p.Glu420= (NM_001346941.2); c.1926G>A, p.Glu642= (NM_001346897.2, NM_001346899.2); c.2061G>A, p.Glu687= (NM_001346898.2); c.2061G>A (NM_005228.3).
Identifiers: ClinVar variation 1368570 (VCV001368570.11), dbSNP rs2128952725, ClinGen allele CA454978318.